The following is an entry in ClinVar:

ClinVar aggregate classification (germline): Uncertain significance. Review status: criteria provided, multiple submitters, no conflicts (2 of 4 stars). 2 submissions from 2 submitters: Uncertain significance (2). Last evaluated 2025-10-22.

Conditions:
Dyskeratosis congenita. Identifiers: Orphanet 1775, MedGen C0265965, MONDO:0015780.
Dyskeratosis congenita, autosomal dominant 2. Identifiers: MedGen C3151443, MONDO:0013521, OMIM 613989.
Idiopathic Pulmonary Fibrosis. Also called: Idiopathic fibrosing alveolitis, chronic form; idiopathic fibrosing alveolitis. Identifiers: Orphanet 2032, MedGen C1800706, MeSH D054990, MONDO:0800504.

Submissions (2):

Ambry Genetics
Classification: Uncertain significance for Dyskeratosis congenita. Last evaluated: 2025-10-22. Review status: criteria provided, single submitter. Criteria: Ambry Variant Classification Scheme 2023. Collection method: clinical testing. Allele origin: germline.
Comment: The p.C271Y variant (also known as c.812G>A), located in coding exon 2 of the TERT gene, results from a G to A substitution at nucleotide position 812. The cysteine at codon 271 is replaced by tyrosine, an amino acid with highly dissimilar properties. This amino acid position is conserved. In addition, this alteration is predicted to be tolerated by in silico analysis. Based on the available evidence, the clinical significance of this variant remains unclear.

Labcorp Genetics (formerly Invitae), Labcorp
Classification: Uncertain significance for Dyskeratosis congenita, autosomal dominant 2; Idiopathic Pulmonary Fibrosis. Last evaluated: 2024-05-27. Review status: criteria provided, single submitter. Criteria: Invitae Variant Classification Sherloc (09022015). Collection method: clinical testing. Allele origin: germline.
Comment: This sequence change replaces cysteine, which is neutral and slightly polar, with tyrosine, which is neutral and polar, at codon 271 of the TERT protein (p.Cys271Tyr). This variant is not present in population databases (gnomAD no frequency). This variant has not been reported in the literature in individuals affected with TERT-related conditions. Advanced modeling of protein sequence and biophysical properties (such as structural, functional, and spatial information, amino acid conservation, physicochemical variation, residue mobility, and thermodynamic stability) has been performed at Invitae for this missense variant, however the output from this modeling did not meet the statistical confidence thresholds required to predict the impact of this variant on TERT protein function. In summary, the available evidence is currently insufficient to determine the role of this variant in disease. Therefore, it has been classified as a Variant of Uncertain Significance.

NM_198253.3(TERT):c.812G>A (p.Cys271Tyr)

Gene: TERT (telomerase reverse transcriptase; minus strand). Cytogenetic location: 5p15.33.
Variant type: single nucleotide variant.
Coding change: c.812G>A on transcript NM_198253.3 (MANE Select); coding-DNA position 812, G replaced by A.
Protein change: p.Cys271Tyr; replaces cysteine 271 with tyrosine.
Molecular consequence: missense variant. On other transcripts: non-coding transcript variant (2).
Genome position (GRCh38, 1-based): chr5:1,294,074, C>T on the plus strand (G>A on the coding strand, the complement: TERT is on the minus strand). VCF-style: chr5-1294074-C-T. GRCh37 (hg19) VCF-style: chr5-1294189-C-T.
Other names: c.812G>A, p.Cys271Tyr (NM_001193376.3); short protein forms C271Y.
Identifiers: ClinVar variation 3758340 (VCV003758340.3).
Genomic context (GRCh38, chr5:1,294,074, plus strand): 5'-CCAGAGAGCGCACCCTCCAAAGAGGTGGCTTCTTCGGCGGGTCTGGCAGGTGACACCACA[C>T]AGAAACCACGGTCACTCGGTCCACGCGTCCTGCCCGGGTGGGCCCAGGACCCCTGCCCAA-3'
Protein context (NP_937983.2, residues 261-281): RTRGPSDRGF[Cys271Tyr]VVSPARPAEE